The following is an entry in ClinVar:

ClinVar aggregate classification (germline): Uncertain significance (1 of 4 stars; one submission).

Submission:

GeneDx
Classification: Uncertain significance. Last evaluated: 2023-11-14. Review status: criteria provided, single submitter. Criteria: GeneDx Variant Classification Process June 2021. Collection method: clinical testing. Allele origin: germline. Affected: yes.
Comment: Not observed at significant frequency in large population cohorts (gnomAD); In silico analysis supports that this missense variant has a deleterious effect on protein structure/function; Has not been previously published as pathogenic or benign to our knowledge

NM_002547.3(OPHN1):c.1520T>C (p.Leu507Ser)

Gene: OPHN1 (oligophrenin 1; minus strand). Cytogenetic location: Xq12.
Variant type: single nucleotide variant.
Coding change: c.1520T>C on transcript NM_002547.3 (MANE Select); coding-DNA position 1520, T replaced by C.
Protein change: p.Leu507Ser; replaces leucine 507 with serine.
Molecular consequence: missense variant.
Genome position (GRCh38, 1-based): chrX:68,111,860, A>G on the plus strand (T>C on the coding strand, the complement: OPHN1 is on the minus strand). VCF-style: chrX-68111860-A-G. GRCh37 (hg19) VCF-style: chrX-67331702-A-G.
Other names: short protein forms L507S.
Identifiers: ClinVar variation 3364169 (VCV003364169.1).